The following is an entry in ClinVar:

NM_006218.4(PIK3CA):c.2622C>G (p.Ser874Arg)

Gene: PIK3CA (phosphatidylinositol-4,5-bisphosphate 3-kinase catalytic subunit alpha; plus strand). Cytogenetic location: 3q26.32.
Variant type: single nucleotide variant.
Coding change: c.2622C>G on transcript NM_006218.4 (MANE Select); coding-DNA position 2622, C replaced by G.
Protein change: p.Ser874Arg; replaces serine 874 with arginine.
Molecular consequence: missense variant.
Genome position (GRCh38, 1-based): chr3:179,229,398, C>G. VCF-style: chr3-179229398-C-G. GRCh37 (hg19) VCF-style: chr3-178947186-C-G.
Other names: short protein forms S874R.
Identifiers: ClinVar variation 1793966 (VCV001793966.2), dbSNP rs2473546626, ClinGen allele CA355278677.
Genomic context (GRCh38, chr3:179,229,398, plus strand): 5'-TCACACTATTATGCAAATTCAGTGCAAAGGCGGCTTGAAAGGTGCACTGCAGTTCAACAG[C>G]CACACACTACATCAGTGGCTCAAAGACAAGAACAAAGGAGAAATGTGAGTTGTATTATTC-3'
Protein context (NP_006209.2, residues 864-884): GGLKGALQFN[Ser874Arg]HTLHQWLKDK

ClinVar aggregate classification (germline): Uncertain significance (1 of 4 stars; one submission).

Conditions:
Inborn genetic diseases. Identifiers: MedGen C0950123, MeSH D030342.

Submission:

Ambry Genetics
Classification: Uncertain significance for Inborn genetic diseases. Last evaluated: 2022-04-08. Review status: criteria provided, single submitter. Criteria: Ambry Variant Classification Scheme 2023. Collection method: clinical testing. Allele origin: germline.
Comment: The p.S874R variant (also known as c.2622C>G), located in coding exon 17 of the PIK3CA gene, results from a C to G substitution at nucleotide position 2622. The serine at codon 874 is replaced by arginine, an amino acid with dissimilar properties. This amino acid position is conserved. In addition, the in silico prediction for this alteration is inconclusive. Since supporting evidence is limited at this time, the clinical significance of this alteration remains unclear.